The following is an entry in ClinVar:

NM_016204.4(GDF2):c.261G>T (p.Gln87His)

Gene: GDF2 (growth differentiation factor 2; plus strand). Cytogenetic location: 10q11.22.
Variant type: single nucleotide variant.
Coding change: c.261G>T on transcript NM_016204.4 (MANE Select); coding-DNA position 261, G replaced by T.
Protein change: p.Gln87His; replaces glutamine 87 with histidine.
Molecular consequence: missense variant.
Genome position (GRCh38, 1-based): chr10:47,322,929, G>T. VCF-style: chr10-47322929-G-T. GRCh37 (hg19) VCF-style: chr10-48416433-C-A.
Other names: short protein forms Q87H.
Identifiers: ClinVar variation 4857918 (VCV004857918.1).

ClinVar aggregate classification (germline): Uncertain significance (1 of 4 stars; one submission).

Conditions:
Cardiovascular phenotype. Identifiers: MedGen CN230736.

gnomAD v4.1: 39 of 1,614,044 alleles (0.0024%); highest among the groups gnomAD compares: Non-Finnish European, 0.003%; no homozygotes.

Submission:

Ambry Genetics
Classification: Uncertain significance for Cardiovascular phenotype. Last evaluated: 2026-03-21. Review status: criteria provided, single submitter. Criteria: Ambry Variant Classification Scheme 2023. Collection method: clinical testing. Allele origin: germline.
Comment: The p.Q87H variant (also known as c.261G>T), located in coding exon 1 of the GDF2 gene, results from a G to T substitution at nucleotide position 261. The glutamine at codon 87 is replaced by histidine, an amino acid with highly similar properties. This amino acid position is conserved. Based on the available evidence, the clinical significance of this variant remains unclear.